The following is an entry in ClinVar:

ClinVar aggregate classification (germline): Conflicting classifications of pathogenicity. Review status: criteria provided, conflicting classifications (1 of 4 stars). 7 submissions from 7 submitters: Uncertain significance (6); Likely benign (1). Last evaluated 2025-06-23.

Conditions:
Emery-Dreifuss muscular dystrophy 4, autosomal dominant (EDMD4). Also called: EMERY-DREIFUSS MUSCULAR DYSTROPHY 4 WITH VARIABLE FEATURES. Identifiers: Orphanet 261, MedGen C2751807, MONDO:0013071, OMIM 612998.
Autosomal recessive ataxia, Beauce type. Also called: SYNE1 Deficiency; Spinocerebellar ataxia, autosomal recessive 8; SYNE1-Related Autosomal Recessive Cerebellar Ataxia; ATAXIA, RECESSIVE, OF BEAUCE. Identifiers: Orphanet 88644, MedGen C1853116, MONDO:0012549, OMIM 610743.

Allele frequency attached by ClinVar (database versions not stated): ESP Exome Variant Server 0.00008; gnomAD exomes 0.00010 and 0.00030; gnomAD 0.00012 and 0.00013; TOPMed 0.00013; ExAC 0.00024; 1000 Genomes Project 0.00040; 1000 Genomes Project 30x 0.00062.
gnomAD v4.1: 163 of 1,614,066 alleles (0.01%); highest among the groups gnomAD compares: East Asian, 0.31%; no homozygotes.

Submissions (7):

Labcorp Genetics (formerly Invitae), Labcorp
Classification: Likely benign for Emery-Dreifuss muscular dystrophy 4, autosomal dominant; Autosomal recessive ataxia, Beauce type. Last evaluated: 2025-06-23. Review status: criteria provided, single submitter. Criteria: Invitae Variant Classification Sherloc (09022015). Collection method: clinical testing. Allele origin: germline.

Mayo Clinic Laboratories, Mayo Clinic
Classification: Uncertain significance. Last evaluated: 2024-02-22. Review status: criteria provided, single submitter. Criteria: ACMG Guidelines, 2015. Collection method: clinical testing. Allele origin: germline. Observed: 1 variant allele.
Comment: BS1

Revvity Omics, Revvity
Classification: Uncertain significance. Last evaluated: 2022-07-29. Review status: criteria provided, single submitter. Criteria: ACMG Guidelines, 2015. Collection method: clinical testing. Allele origin: germline.

Eurofins Ntd Llc (ga)
Classification: Uncertain significance. Last evaluated: 2017-11-16. Review status: criteria provided, single submitter. Criteria: EGL Classification Definitions 2015. Collection method: clinical testing. Allele origin: germline. Observed: 1 variant allele, 1 heterozygote.

Athena Diagnostics
Classification: Uncertain significance. Last evaluated: 2017-07-19. Review status: criteria provided, single submitter. Criteria: Athena Diagnostics Criteria. Collection method: clinical testing. Allele origin: germline.

GeneDx
Classification: Uncertain significance. Last evaluated: 2017-06-02. Review status: criteria provided, single submitter. Criteria: GeneDx Variant Classification (06012015). Collection method: clinical testing. Allele origin: germline. Affected: yes.
Comment: The M5563T variant has not been published as a pathogenic variant, nor has it been reported as a benign variant to our knowledge. The M5563T variant is observed in 28/8640 (0.3%) alleles from individuals of East Asian background (Lek et al., 2016; 1000 Genomes Consortium et al., 2015; Exome Variant Server). This substitution occurs at a position where amino acids with similar properties to Methionine are tolerated across species. However, this variant is a non-conservative amino acid substitution, which is likely to impact secondary protein structure as these residues differ in polarity, charge, size and/or other properties. Additionally, in silico analysis predicts this variant is probably damaging to the protein structure/function.

ARUP Laboratories, Molecular Genetics and Genomics, ARUP Laboratories
Classification: Uncertain significance. Last evaluated: 2016-11-22. Review status: criteria provided, single submitter. Criteria: ARUP Molecular Germline Variant Investigation Process. Collection method: clinical testing. Allele origin: germline.

Literature cited by the submitters: PubMed 37217505 (cited by Mayo Clinic Laboratories, Mayo Clinic).

NM_182961.4(SYNE1):c.16901T>C (p.Met5634Thr)

Genes: SYNE1 (spectrin repeat containing nuclear envelope protein 1; minus strand), LOC126859837 (BRD4-independent group 4 enhancer GRCh37_chr6:152630775-152631974; plus strand). Cytogenetic location: 6q25.2.
Variant type: single nucleotide variant.
Coding change: c.16901T>C on transcript NM_182961.4 (MANE Select); coding-DNA position 16901, T replaced by C.
Protein change: p.Met5634Thr; replaces methionine 5634 with threonine.
Molecular consequence: missense variant.
Genome position (GRCh38, 1-based): chr6:152,310,514, A>G on the plus strand (T>C on the coding strand, the complement: SYNE1 is on the minus strand). VCF-style: chr6-152310514-A-G. GRCh37 (hg19) VCF-style: chr6-152631649-A-G.
Other names: p.Met5563Thr; c.16688T>C, p.Met5563Thr (NM_033071.5); short protein forms M5563T, M5634T.
Identifiers: ClinVar variation 432309 (VCV000432309.26), dbSNP rs138509817, ClinGen allele CA4055393.